The following is an entry in ClinVar:

NM_080680.3(COL11A2):c.283G>C (p.Gly95Arg)

Gene: COL11A2 (collagen type XI alpha 2 chain; minus strand). Cytogenetic location: 6p21.32.
Variant type: single nucleotide variant.
Coding change: c.283G>C on transcript NM_080680.3 (MANE Select); coding-DNA position 283, G replaced by C.
Protein change: p.Gly95Arg; replaces glycine 95 with arginine.
Molecular consequence: missense variant.
Genome position (GRCh38, 1-based): chr6:33,189,138, C>G on the plus strand (G>C on the coding strand, the complement: COL11A2 is on the minus strand). VCF-style: chr6-33189138-C-G. GRCh37 (hg19) VCF-style: chr6-33156915-C-G.
Other names: c.283G>C, p.Gly95Arg (NM_001163771.2, NM_080679.3, NM_080681.3); short protein forms G95R.
Identifiers: ClinVar variation 1439011 (VCV001439011.9), dbSNP rs139813387, ClinGen allele CA3751701.
Genomic context (GRCh38, chr6:33,189,138, plus strand): 5'-CCAGGCCCAGCTGTCGGACACCCTGGGCACTGTAGAGAGTCAGGAGGGGAGCTTGGAGAC[C>G]AGGGCGGGTCCGGACAACAGTCAGCAGAGAGAAATCTTTGGGAAATCCTCCTAGTAACCG-3'
Protein context (NP_542411.2, residues 85-105): SLLTVVRTRP[Gly95Arg]LQAPLLTLYS

ClinVar aggregate classification (germline): Uncertain significance. Review status: criteria provided, multiple submitters, no conflicts (2 of 4 stars). 2 submissions from 2 submitters: Uncertain significance (2). Last evaluated 2025-10-18.

Conditions:
Autosomal dominant nonsyndromic hearing loss 13. Identifiers: Orphanet 90635, MedGen C1866095, MONDO:0011159, OMIM 601868.
Fibrochondrogenesis 2 (FBCG2). Identifiers: Orphanet 2021, MedGen C3281128, MONDO:0013795, OMIM 614524.
Autosomal recessive nonsyndromic hearing loss 53. Identifiers: Orphanet 90636, MedGen C1864746, MONDO:0012333, OMIM 609706.
Otospondylomegaepiphyseal dysplasia, autosomal recessive (OSMEDB). Also called: CHONDRODYSTROPHY WITH SENSORINEURAL DEAFNESS; Insley-Astley syndrome. Identifiers: Orphanet 1427, MedGen CN034493, MONDO:0044206, OMIM 215150.
Otospondylomegaepiphyseal dysplasia, autosomal dominant (OSMEDA). Also called: COL11A2-Related Stickler Syndrome; Pierre Robin syndrome with fetal chondrodysplasia; Stickler syndrome, type 3. Identifiers: Orphanet 166100, Orphanet 3450, MedGen C1848488, MONDO:0008490, OMIM 184840.

Allele frequency attached by ClinVar (database versions not stated): gnomAD exomes below 0.00001 and 0.00001; ExAC 0.00002; gnomAD 0.00002; TOPMed 0.00002; ESP Exome Variant Server 0.00008.
gnomAD v4.1: 5 of 1,613,904 alleles (0.00031%); highest among the groups gnomAD compares: African/African-American, 0.0067%; no homozygotes.

Submissions (2):

Labcorp Genetics (formerly Invitae), Labcorp
Classification: Uncertain significance. Last evaluated: 2025-10-18. Review status: criteria provided, single submitter. Criteria: Invitae Variant Classification Sherloc (09022015). Collection method: clinical testing. Allele origin: germline.
Comment: This sequence change replaces glycine, which is neutral and non-polar, with arginine, which is basic and polar, at codon 95 of the COL11A2 protein (p.Gly95Arg). This variant is present in population databases (rs139813387, gnomAD 0.01%). This variant has not been reported in the literature in individuals affected with COL11A2-related conditions. ClinVar contains an entry for this variant (Variation ID: 1439011). Invitae Evidence Modeling of protein sequence and biophysical properties (such as structural, functional, and spatial information, amino acid conservation, physicochemical variation, residue mobility, and thermodynamic stability) indicates that this missense variant is not expected to disrupt COL11A2 protein function with a negative predictive value of 95%. In summary, the available evidence is currently insufficient to determine the role of this variant in disease. Therefore, it has been classified as a Variant of Uncertain Significance.

Fulgent Genetics
Classification: Uncertain significance for Otospondylomegaepiphyseal dysplasia, autosomal dominant; Otospondylomegaepiphyseal dysplasia, autosomal recessive; Autosomal dominant nonsyndromic hearing loss 13; Autosomal recessive nonsyndromic hearing loss 53; Fibrochondrogenesis 2. Last evaluated: 2024-04-18. Review status: criteria provided, single submitter. Criteria: ACMG Guidelines, 2015. Collection method: clinical testing. Allele origin: germline.